The following is an entry in ClinVar:

ClinVar aggregate classification (germline): Uncertain significance. Review status: criteria provided, multiple submitters, no conflicts (2 of 4 stars). 4 submissions from 4 submitters: Uncertain significance (4). Last evaluated 2025-05-19.

Conditions:
Epilepsy, familial focal, with variable foci 3 (FFEVF3). Identifiers: MedGen C4310708, MONDO:0014925, OMIM 617118.

Submissions (4):

Labcorp Genetics (formerly Invitae), Labcorp
Classification: Uncertain significance for Epilepsy, familial focal, with variable foci 3. Last evaluated: 2025-05-19. Review status: criteria provided, single submitter. Criteria: Invitae Variant Classification Sherloc (09022015). Collection method: clinical testing. Allele origin: germline.
Comment: This variant, c.994_996del, results in the deletion of 1 amino acid(s) of the NPRL3 protein (p.Asn332del), but otherwise preserves the integrity of the reading frame. This variant is not present in population databases (gnomAD no frequency). This variant has not been reported in the literature in individuals affected with NPRL3-related conditions. ClinVar contains an entry for this variant (Variation ID: 504291). Experimental studies and prediction algorithms are not available or were not evaluated, and the functional significance of this variant is currently unknown. In summary, the available evidence is currently insufficient to determine the role of this variant in disease. Therefore, it has been classified as a Variant of Uncertain Significance.

Laboratory of Genetics, Children's Clinical University Hospital Latvia
Classification: Uncertain significance. Last evaluated: 2025-02-16. Review status: criteria provided, single submitter. Criteria: ACMG Guidelines, 2015. Collection method: clinical testing. Allele origin: germline. Affected: yes.

GeneDx
Classification: Uncertain significance. Last evaluated: 2023-03-06. Review status: criteria provided, single submitter. Criteria: GeneDx Variant Classification Process June 2021. Collection method: clinical testing. Allele origin: germline. Affected: yes.
Comment: Not observed in large population cohorts (gnomAD); In-frame deletion of 1 amino acid in a non-repeat region; In silico analysis supports a deleterious effect on protein structure/function; Has not been previously published as pathogenic or benign to our knowledge

Blueprint Genetics
Classification: Uncertain significance. Last evaluated: 2021-04-14. Review status: criteria provided, single submitter. Criteria: ACMG Guidelines, 2015. Collection method: clinical testing. Allele origin: germline.

NM_001077350.3(NPRL3):c.991AAC[1] (p.Asn332del)

Genes: HBA-LCR (alpha-globin locus control region; plus strand), NPRL3 (NPR3 like, GATOR1 complex subunit; minus strand). Cytogenetic location: 16p13.3.
Variant type: Microsatellite.
Coding change: c.991AAC[1] on transcript NM_001077350.3 (MANE Select); one copy of the 3-base unit AAC starting at c.991; the reference has two copies in a row; one copy, 3 bases deleted; also written c.994_996del.
Protein change: p.Asn332del; deletes asparagine 332.
Molecular consequence: inframe deletion.
Genome position (GRCh38, 1-based): chr16:93,254-93,256, GTT deleted on the plus strand (AAC on the coding strand, the reverse complement: NPRL3 is on the minus strand); deleting any 3 consecutive bases within chr16:93,254-93,259 gives the same sequence; the position shown is the placement nearest the transcript's 3' end. VCF-style (leftmost placement, unchanged base first): chr16-93253-CGTT-C. GRCh37 (hg19) VCF-style: chr16-143251-CGTT-C.
Other names: c.454AAC[1], p.Asn153del (NM_001039476.3); c.757AAC[1], p.Asn254del (NM_001243247.2); c.916AAC[1], p.Asn307del (NM_001243248.2, NM_001243249.2); c.994_996del (NM_001077350.2); short protein forms N307del, N332del, N153del, N254del.
Identifiers: ClinVar variation 504291 (VCV000504291.13), dbSNP rs1555440242, ClinGen allele CA658798451.